The following is an entry in ClinVar:

NM_133510.4(RAD51B):c.659T>C (p.Phe220Ser)

Gene: RAD51B (RAD51 paralog B; plus strand). Cytogenetic location: 14q24.1.
Variant type: single nucleotide variant.
Coding change: c.659T>C on transcript NM_133510.4 (MANE Select); coding-DNA position 659, T replaced by C.
Protein change: p.Phe220Ser; replaces phenylalanine 220 with serine.
Molecular consequence: missense variant.
Genome position (GRCh38, 1-based): chr14:67,887,107, T>C. VCF-style: chr14-67887107-T-C. GRCh37 (hg19) VCF-style: chr14-68353824-T-C.
Other names: c.659T>C, p.Phe220Ser (NM_001321809.2, NM_001321810.2, NM_001321812.1 and 6 more transcripts); c.545T>C, p.Phe182Ser (NM_001321815.1); c.302T>C, p.Phe101Ser (NM_001321817.2); short protein forms F101S, F220S, F182S.
Identifiers: ClinVar variation 3942274 (VCV003942274.1).

ClinVar aggregate classification (germline): Uncertain significance (1 of 4 stars; one submission).

Submission:

Ambry Genetics
Classification: Uncertain significance. Last evaluated: 2025-03-25. Review status: criteria provided, single submitter. Criteria: Ambry Variant Classification Scheme 2023. Collection method: clinical testing. Allele origin: germline.
Comment: The p.F220S variant (also known as c.659T>C), located in coding exon 6 of the RAD51B gene, results from a T to C substitution at nucleotide position 659. The phenylalanine at codon 220 is replaced by serine, an amino acid with highly dissimilar properties. This amino acid position is conserved. In addition, the in silico prediction for this alteration is inconclusive. Based on the available evidence, the clinical significance of this variant remains unclear.